The following is an entry in ClinVar:

NM_001042492.3(NF1):c.4974dup (p.Leu1659fs)

Gene: NF1 (neurofibromin 1; plus strand). Cytogenetic location: 17q11.2.
Variant type: Duplication.
Coding change: c.4974dup on transcript NM_001042492.3 (MANE Select); coding-DNA position 4974, one base duplicated (T; older notation c.4974dupT).
Protein change: p.Leu1659fs; shifts the reading frame from leucine 1659.
Molecular consequence: frameshift variant.
Genome position (GRCh38, 1-based): chr17:31,325,958, T duplicated; the last of 3 consecutive T bases (chr17:31,325,956-31,325,958); duplicating any one gives the same sequence. VCF-style (leftmost placement, unchanged base first): chr17-31325955-C-CT. GRCh37 (hg19) VCF-style: chr17-29652973-C-CT.
Other names: c.4911dup, p.Leu1638Serfs (NM_000267.4); short protein forms L1638fs, L1659fs.
Identifiers: ClinVar variation 2852295 (VCV002852295.3), dbSNP rs2069329470, ClinGen allele CA2739267456.

ClinVar aggregate classification (germline): Pathogenic (1 of 4 stars; one submission).

Conditions:
Neurofibromatosis, type 1 (NF1). Also called: VON RECKLINGHAUSEN DISEASE; Neurofibromatosis, type I; Peripheral type neurofibromatosis; NEUROFIBROMATOSIS, TYPE I, SOMATIC. Identifiers: Orphanet 636, MedGen C0027831, MONDO:0018975, OMIM 162200. Disease mechanism: loss of function.

Submission:

Labcorp Genetics (formerly Invitae), Labcorp
Classification: Pathogenic for Neurofibromatosis, type 1. Last evaluated: 2023-04-06. Review status: criteria provided, single submitter. Criteria: Invitae Variant Classification Sherloc (09022015). Collection method: clinical testing. Allele origin: germline.
Comment: This variant has not been reported in the literature in individuals affected with NF1-related conditions. This variant is not present in population databases (gnomAD no frequency). This sequence change creates a premature translational stop signal (p.Leu1638Serfs*3) in the NF1 gene. It is expected to result in an absent or disrupted protein product. Loss-of-function variants in NF1 are known to be pathogenic (PMID: 10712197, 23913538). For these reasons, this variant has been classified as Pathogenic.

Literature cited by the submitters: PubMed 10712197; PubMed 23913538.